The following is an entry in ClinVar:

ClinVar aggregate classification (germline): Pathogenic (1 of 4 stars; one submission).

Submission:

Labcorp Genetics (formerly Invitae), Labcorp
Classification: Pathogenic. Last evaluated: 2024-04-22. Review status: criteria provided, single submitter. Criteria: Invitae Variant Classification Sherloc (09022015). Collection method: clinical testing. Allele origin: germline.
Comment: This sequence change creates a premature translational stop signal (p.Thr1689Glnfs*72) in the POLE gene. It is expected to result in an absent or disrupted protein product. Loss-of-function variants in POLE are known to be pathogenic (PMID: 23230001, 25948378, 30503519). This variant is not present in population databases (gnomAD no frequency). This variant has not been reported in the literature in individuals affected with POLE-related conditions. For these reasons, this variant has been classified as Pathogenic.

Literature cited by the submitters: PubMed 23230001; PubMed 25948378; PubMed 30503519.

NM_006231.4(POLE):c.5065del (p.Thr1689fs)

Gene: POLE (DNA polymerase epsilon, catalytic subunit; minus strand). Cytogenetic location: 12q24.33.
Variant type: Deletion.
Coding change: c.5065del on transcript NM_006231.4 (MANE Select); coding-DNA position 5065, one base deleted (A; older notation c.5065delA).
Protein change: p.Thr1689fs; shifts the reading frame from threonine 1689.
Molecular consequence: frameshift variant.
Genome position (GRCh38, 1-based): chr12:132,642,285, T deleted on the plus strand (A on the coding strand, the reverse complement: POLE is on the minus strand). VCF-style (leftmost placement, unchanged base first): chr12-132642284-GT-G. GRCh37 (hg19) VCF-style: chr12-133218870-GT-G.
Other names: short protein forms T1689fs.
Identifiers: ClinVar variation 3650513 (VCV003650513.2).